The following is an entry in ClinVar:

NM_001370466.1(NOD2):c.513C>G (p.Phe171Leu)

Gene: NOD2 (nucleotide binding oligomerization domain containing 2; plus strand). Cytogenetic location: 16q12.1.
Variant type: single nucleotide variant.
Coding change: c.513C>G on transcript NM_001370466.1 (MANE Select); coding-DNA position 513, C replaced by G.
Protein change: p.Phe171Leu; replaces phenylalanine 171 with leucine.
Molecular consequence: missense variant. On other transcripts: non-coding transcript variant (1).
Genome position (GRCh38, 1-based): chr16:50,707,908, C>G. VCF-style: chr16-50707908-C-G. GRCh37 (hg19) VCF-style: chr16-50741819-C-G.
Other names: c.513C>G, p.Phe171Leu (NM_001293557.2); c.594C>G, p.Phe198Leu (NM_022162.3); short protein forms F171L, F198L.
Identifiers: ClinVar variation 3762519 (VCV003762519.2).
Genomic context (GRCh38, chr16:50,707,908, plus strand): 5'-CCTGTAGGCAAGAAGGCTGCTTGATCTTGCCACGGTGAAAGCGAATGGATTGGCTGCCTT[C>G]CTTCTACAACATGTTCAGGAATTACCAGTCCCATTGGCCCTGCCTTTGGAAGGTAGGTGT-3'
Protein context (NP_001357395.1, residues 161-181): ATVKANGLAA[Phe171Leu]LLQHVQELPV

ClinVar aggregate classification (germline): Uncertain significance (1 of 4 stars; one submission).

Conditions:
Regional enteritis. Also called: Enteritis, Granulomatous. Identifiers: MedGen C0678202, MeSH D003424.
Blau syndrome (BLAUS). Also called: ARTHROCUTANEOUVEAL GRANULOMATOSIS; GRANULOMATOSIS, FAMILIAL JUVENILE SYSTEMIC; GRANULOMATOSIS, FAMILIAL, BLAU TYPE; GRANULOMATOUS INFLAMMATORY ARTHRITIS, DERMATITIS, AND UVEITIS, FAMILIAL; JABS SYNDROME. Identifiers: Orphanet 90340, MedGen C5201146, MONDO:0008523, OMIM 186580.

gnomAD v4.1: 2 of 1,614,124 alleles (0.00012%); highest among the groups gnomAD compares: Non-Finnish European, 0.000085%; no homozygotes.

Submission:

Labcorp Genetics (formerly Invitae), Labcorp
Classification: Uncertain significance for Regional enteritis; Blau syndrome. Last evaluated: 2024-03-06. Review status: criteria provided, single submitter. Criteria: Invitae Variant Classification Sherloc (09022015). Collection method: clinical testing. Allele origin: germline.
Comment: This sequence change replaces phenylalanine, which is neutral and non-polar, with leucine, which is neutral and non-polar, at codon 198 of the NOD2 protein (p.Phe198Leu). This variant is not present in population databases (gnomAD no frequency). This variant has not been reported in the literature in individuals affected with NOD2-related conditions. Advanced modeling of protein sequence and biophysical properties (such as structural, functional, and spatial information, amino acid conservation, physicochemical variation, residue mobility, and thermodynamic stability) performed at Invitae indicates that this missense variant is not expected to disrupt NOD2 protein function with a negative predictive value of 95%. In summary, the available evidence is currently insufficient to determine the role of this variant in disease. Therefore, it has been classified as a Variant of Uncertain Significance.